The following is an entry in ClinVar:

ClinVar aggregate classification (germline): Uncertain significance (1 of 4 stars; one submission).

Submission:

Labcorp Genetics (formerly Invitae), Labcorp
Classification: Uncertain significance. Last evaluated: 2024-06-08. Review status: criteria provided, single submitter. Criteria: Invitae Variant Classification Sherloc (09022015). Collection method: clinical testing. Allele origin: germline.
Comment: This sequence change replaces methionine, which is neutral and non-polar, with valine, which is neutral and non-polar, at codon 666 of the DVL3 protein (p.Met666Val). The frequency data for this variant in the population databases is considered unreliable, as metrics indicate poor data quality at this position in the gnomAD database. This variant has not been reported in the literature in individuals affected with DVL3-related conditions. Algorithms developed to predict the effect of missense changes on protein structure and function output the following: SIFT: "Not Available"; PolyPhen-2: "Benign"; Align-GVGD: "Not Available". The valine amino acid residue is found in multiple mammalian species, which suggests that this missense change does not adversely affect protein function. In summary, the available evidence is currently insufficient to determine the role of this variant in disease. Therefore, it has been classified as a Variant of Uncertain Significance.

NM_004423.4(DVL3):c.1996A>G (p.Met666Val)

Gene: DVL3 (dishevelled segment polarity protein 3; plus strand). Cytogenetic location: 3q27.1.
Variant type: single nucleotide variant.
Coding change: c.1996A>G on transcript NM_004423.4 (MANE Select); coding-DNA position 1996, A replaced by G.
Protein change: p.Met666Val; replaces methionine 666 with valine.
Molecular consequence: missense variant.
Genome position (GRCh38, 1-based): chr3:184,170,600, A>G. VCF-style: chr3-184170600-A-G. GRCh37 (hg19) VCF-style: chr3-183888388-A-G.
Other names: short protein forms M666V.
Identifiers: ClinVar variation 3630390 (VCV003630390.2).
Genomic context (GRCh38, chr3:184,170,600, plus strand): 5'-AGCCACCACACACACCCGAGCTACGGTCCTCCCGGAGTGCCCCCTCTCTACGGCCCCCCC[A>G]TGCTGATGATGCCCCCGCCGCCCGCGGCCATGGGGCCCCCAGGAGCCCCTCCGGGCCGCG-3'
Protein context (NP_004414.3, residues 656-676): PGVPPLYGPP[Met666Val]LMMPPPPAAM